The following is an entry in ClinVar:

ClinVar aggregate classification (germline): Uncertain significance (1 of 4 stars; one submission).

Conditions:
Early-infantile DEE. Also called: Ohtahara syndrome; Early infantile epileptic encephalopathy with suppression bursts; Early infantile epileptic encephalopathy. Identifiers: Orphanet 1934, MedGen C0393706, MONDO:0800491.

Submission:

Labcorp Genetics (formerly Invitae), Labcorp
Classification: Uncertain significance for Early-infantile DEE. Last evaluated: 2020-05-27. Review status: criteria provided, single submitter. Criteria: Invitae Variant Classification Sherloc (09022015). Collection method: clinical testing. Allele origin: germline.
Comment: This sequence change replaces alanine with threonine at codon 480 of the CACNA2D2 protein (p.Ala480Thr). The alanine residue is highly conserved and there is a small physicochemical difference between alanine and threonine. This variant is not present in population databases (ExAC no frequency). This variant has not been reported in the literature in individuals with CACNA2D2-related conditions. Algorithms developed to predict the effect of missense changes on protein structure and function are either unavailable or do not agree on the potential impact of this missense change (SIFT: "Deleterious"; PolyPhen-2: "Probably Damaging"; Align-GVGD: "Class C0"). In summary, the available evidence is currently insufficient to determine the role of this variant in disease. Therefore, it has been classified as a Variant of Uncertain Significance.

NM_006030.4(CACNA2D2):c.1438G>A (p.Ala480Thr)

Gene: CACNA2D2 (calcium voltage-gated channel auxiliary subunit alpha2delta 2; minus strand). Cytogenetic location: 3p21.31.
Variant type: single nucleotide variant.
Coding change: c.1438G>A on transcript NM_006030.4 (MANE Select); coding-DNA position 1438, G replaced by A.
Protein change: p.Ala480Thr; replaces alanine 480 with threonine.
Molecular consequence: missense variant.
Genome position (GRCh38, 1-based): chr3:50,378,049, C>T on the plus strand (G>A on the coding strand, the complement: CACNA2D2 is on the minus strand). VCF-style: chr3-50378049-C-T. GRCh37 (hg19) VCF-style: chr3-50415480-C-T.
Other names: c.1438G>A, p.Ala480Thr (NM_001005505.3, NM_001174051.3); c.1231G>A, p.Ala411Thr (NM_001291101.1); short protein forms A411T, A480T.
Identifiers: ClinVar variation 1040527 (VCV001040527.6), dbSNP rs1705079845, ClinGen allele CA352929240.